The following is an entry in ClinVar:

ClinVar aggregate classification (germline): Uncertain significance (1 of 4 stars; one submission).

gnomAD v4.1: 18 of 1,543,224 alleles (0.0012%); highest among the groups gnomAD compares: Middle Eastern, 0.019%; no homozygotes.

Submission:

Athena Diagnostics
Classification: Uncertain significance. Last evaluated: 2024-01-04. Review status: criteria provided, single submitter. Criteria: Athena Diagnostics Criteria. Collection method: clinical testing. Allele origin: unknown.
Comment: Available data are insufficient to determine the clinical significance of the variant at this time. The frequency of this variant in the general population is uninformative in assessment of its pathogenicity. Computational tools predict that this variant is not damaging.

NM_005529.7(HSPG2):c.12013G>A (p.Ala4005Thr)

Gene: HSPG2 (heparan sulfate proteoglycan 2; minus strand). Cytogenetic location: 1p36.12.
Variant type: single nucleotide variant.
Coding change: c.12013G>A on transcript NM_005529.7 (MANE Select); coding-DNA position 12013, G replaced by A.
Protein change: p.Ala4005Thr; replaces alanine 4005 with threonine.
Molecular consequence: missense variant.
Genome position (GRCh38, 1-based): chr1:21,829,059, C>T on the plus strand (G>A on the coding strand, the complement: HSPG2 is on the minus strand). VCF-style: chr1-21829059-C-T. GRCh37 (hg19) VCF-style: chr1-22155552-C-T.
Other names: c.12016G>A, p.Ala4006Thr (NM_001291860.2); short protein forms A4005T, A4006T.
Identifiers: ClinVar variation 3571917 (VCV003571917.1).